The following is an entry in ClinVar:

ClinVar aggregate classification (germline): Uncertain significance (1 of 4 stars; one submission).

Conditions:
Familial intrahepatic cholestasis. Identifiers: Orphanet 284385, MedGen CN296401, MONDO:0017290.

Submission:

Genomenon, Inc
Classification: Uncertain significance for Familial intrahepatic cholestasis. Last evaluated: 2026-04-14. Review status: criteria provided, single submitter. Criteria: Genomenon Sequence Variant Interpretation Standards - Updated. Collection method: curation. Allele origin: germline. Affected: no.
Comment: ABCB11 p.Asp1250Ala (c.3749A>C) is a missense variant that changes the amino acid at residue 1250 from Aspartic acid to Alanine. To our knowledge, this variant has not been reported in patients affected with an ABCB11-related disorder in the published literature. At least one functional study has demonstrated a substantial alteration in protein function relative to the wild-type (PMID:28784620). It is absent or not present at a significant frequency in gnomAD. In silico models predict that this variant is possibly or probably damaging. In conclusion, we classify ABCB11 p.Asp1250Ala (c.3749A>C) as a variant of uncertain significance.

Literature cited by the submitters: PubMed 28784620.

NM_003742.4(ABCB11):c.3749A>C (p.Asp1250Ala)

Gene: ABCB11 (ATP binding cassette subfamily B member 11; minus strand). Cytogenetic location: 2q31.1.
Variant type: single nucleotide variant.
Coding change: c.3749A>C on transcript NM_003742.4 (MANE Select); coding-DNA position 3749, A replaced by C.
Protein change: p.Asp1250Ala; replaces aspartic acid 1250 with alanine.
Molecular consequence: missense variant.
Genome position (GRCh38, 1-based): chr2:168,924,673, T>G on the plus strand (A>C on the coding strand, the complement: ABCB11 is on the minus strand). VCF-style: chr2-168924673-T-G. GRCh37 (hg19) VCF-style: chr2-169781183-T-G.
Other names: short protein forms D1250A.
Identifiers: ClinVar variation 4845964 (VCV004845964.1).